The following is an entry in ClinVar:

ClinVar aggregate classification (germline): Uncertain significance (1 of 4 stars; one submission).

Conditions:
Baller-Gerold syndrome (BGS). Also called: CRANIOSYNOSTOSIS WITH RADIAL DEFECTS. Identifiers: Orphanet 1225, MedGen C0265308, MONDO:0009039, OMIM 218600.

Allele frequency attached by ClinVar (database versions not stated): gnomAD exomes below 0.00001.

Submission:

Labcorp Genetics (formerly Invitae), Labcorp
Classification: Uncertain significance for Baller-Gerold syndrome. Last evaluated: 2022-11-06. Review status: criteria provided, single submitter. Criteria: Invitae Variant Classification Sherloc (09022015). Collection method: clinical testing. Allele origin: germline.
Comment: Algorithms developed to predict the effect of sequence changes on RNA splicing suggest that this variant may create or strengthen a splice site. In summary, the available evidence is currently insufficient to determine the role of this variant in disease. Therefore, it has been classified as a Variant of Uncertain Significance. Advanced modeling of protein sequence and biophysical properties (such as structural, functional, and spatial information, amino acid conservation, physicochemical variation, residue mobility, and thermodynamic stability) performed at Invitae indicates that this missense variant is not expected to disrupt RECQL4 protein function. ClinVar contains an entry for this variant (Variation ID: 568801). This variant has not been reported in the literature in individuals affected with RECQL4-related conditions. This variant is present in population databases (no rsID available, gnomAD 0.0009%). This sequence change replaces leucine, which is neutral and non-polar, with valine, which is neutral and non-polar, at codon 974 of the RECQL4 protein (p.Leu974Val).

NM_004260.4(RECQL4):c.2920C>G (p.Leu974Val)

Gene: RECQL4 (RecQ like helicase 4; minus strand). Cytogenetic location: 8q24.3.
Variant type: single nucleotide variant.
Coding change: c.2920C>G on transcript NM_004260.4 (MANE Select); coding-DNA position 2920, C replaced by G.
Protein change: p.Leu974Val; replaces leucine 974 with valine.
Molecular consequence: missense variant.
Genome position (GRCh38, 1-based): chr8:144,512,527, G>C on the plus strand (C>G on the coding strand, the complement: RECQL4 is on the minus strand). VCF-style: chr8-144512527-G-C. GRCh37 (hg19) VCF-style: chr8-145737910-G-C.
Other names: short protein forms L974V.
Identifiers: ClinVar variation 568801 (VCV000568801.7), dbSNP rs1263288809, ClinGen allele CA372673433.